The following is an entry in ClinVar:

NM_004036.5(ADCY3):c.1723C>T (p.Arg575Ter)

Gene: ADCY3 (adenylate cyclase 3; minus strand). Cytogenetic location: 2p23.3.
Variant type: single nucleotide variant.
Coding change: c.1723C>T on transcript NM_004036.5 (MANE Select); coding-DNA position 1723, C replaced by T.
Protein change: p.Arg575Ter; replaces arginine 575 with a stop codon.
Molecular consequence: nonsense.
Genome position (GRCh38, 1-based): chr2:24,834,876, G>A on the plus strand (C>T on the coding strand, the complement: ADCY3 is on the minus strand). VCF-style: chr2-24834876-G-A. GRCh37 (hg19) VCF-style: chr2-25057745-G-A.
Other names: c.1723C>T, p.Arg575Ter (NM_001320613.2, NM_001377129.1, NM_001377130.1 and 1 more transcripts); c.1789C>T, p.Arg597Ter (NM_001377128.1); c.1000C>T, p.Arg334Ter (NM_001377131.1); short protein forms R334*, R575*, R597*.
Identifiers: ClinVar variation 3348638 (VCV003348638.1).

ClinVar aggregate classification (germline): Likely pathogenic (0 of 4 stars; one submission).

Conditions:
ADCY3-related disorder. Also called: ADCY3-related condition.

gnomAD v4.1: 1 of 1,613,900 alleles (0.000062%); highest among the groups gnomAD compares: South Asian, 0.0011%; no homozygotes.

Submission:

PreventionGenetics, part of Exact Sciences
Classification: Likely pathogenic for ADCY3-related condition. Last evaluated: 2024-07-29. Review status: no assertion criteria provided. Collection method: clinical testing. Allele origin: germline.
Comment: The ADCY3 c.1723C>T variant is predicted to result in premature protein termination (p.Arg575*). To our knowledge, this variant has not been reported in the literature or in a large population database, indicating this variant is rare. Nonsense variants in ADCY3 are expected to be pathogenic. This variant is interpreted as likely pathogenic.